The following is an entry in ClinVar:

ClinVar aggregate classification (germline): Likely pathogenic (1 of 4 stars; one submission).

Allele frequency attached by ClinVar (database versions not stated): gnomAD exomes below 0.00001.
gnomAD v4.1: 1 of 1,614,032 alleles (0.000062%); highest among the groups gnomAD compares: Non-Finnish European, 0.000085%; no homozygotes.

Submission:

Labcorp Genetics (formerly Invitae), Labcorp
Classification: Likely pathogenic. Last evaluated: 2018-07-15. Review status: criteria provided, single submitter. Criteria: Invitae Variant Classification Sherloc (09022015). Collection method: clinical testing. Allele origin: germline.
Comment: This variant has been observed in individuals affected with hereditary leiomyomatosis and renal cell carcinoma (HLRCC) (PMID: 28747166, Invitae). It has also been reported on the opposite chromosome (in trans) from a pathogenic variant in an individual with fumarate hydratase deficiency (FHD) (PMID: 28747166). This finding is consistent with autosomal recessive inheritance for FHD, and suggests that this variant contributes to disease. Algorithms developed to predict the effect of missense changes on protein structure and function are either unavailable or do not agree on the potential impact of this missense change (SIFT: "Deleterious"; PolyPhen-2: "Probably Damaging"; Align-GVGD: "Class C0"). In summary, the currently available evidence indicates that the variant is pathogenic, but additional data are needed to prove that conclusively. Therefore, this variant has been classified as Likely Pathogenic. This variant is not present in population databases (ExAC no frequency). This sequence change replaces glycine with arginine at codon 282 of the FH protein (p.Gly282Arg). The glycine residue is highly conserved and there is a moderate physicochemical difference between glycine and arginine.

Literature cited by the submitters: PubMed 28747166.

NM_000143.4(FH):c.844G>C (p.Gly282Arg)

Gene: FH (fumarate hydratase; minus strand). Cytogenetic location: 1q43.
Variant type: single nucleotide variant.
Coding change: c.844G>C on transcript NM_000143.4 (MANE Select); coding-DNA position 844, G replaced by C.
Protein change: p.Gly282Arg; replaces glycine 282 with arginine.
Molecular consequence: missense variant.
Genome position (GRCh38, 1-based): chr1:241,506,063, C>G on the plus strand (G>C on the coding strand, the complement: FH is on the minus strand). VCF-style: chr1-241506063-C-G. GRCh37 (hg19) VCF-style: chr1-241669363-C-G.
Other names: short protein forms G282R.
Identifiers: ClinVar variation 652751 (VCV000652751.9), dbSNP rs1573881629, ClinGen allele CA345438910.